The following is an entry in ClinVar:

NM_001231.5(CASQ1):c.511C>T (p.Gln171Ter)

Gene: CASQ1 (calsequestrin 1; plus strand). Cytogenetic location: 1q23.2.
Variant type: single nucleotide variant.
Coding change: c.511C>T on transcript NM_001231.5 (MANE Select); coding-DNA position 511, C replaced by T.
Protein change: p.Gln171Ter; replaces glutamine 171 with a stop codon.
Molecular consequence: nonsense.
Genome position (GRCh38, 1-based): chr1:160,195,057, C>T. VCF-style: chr1-160195057-C-T. GRCh37 (hg19) VCF-style: chr1-160164847-C-T.
Other names: short protein forms Q171*.
Identifiers: ClinVar variation 1396111 (VCV001396111.6), dbSNP rs747556680, ClinGen allele CA1196221.

ClinVar aggregate classification (germline): Uncertain significance (1 of 4 stars; one submission).

Allele frequency attached by ClinVar (database versions not stated): ExAC 0.00001; gnomAD exomes below 0.00001 and 0.00001.
gnomAD v4.1: 2 of 1,613,358 alleles (0.00012%); highest among the groups gnomAD compares: African/African-American, 0.0027%; no homozygotes.

Submission:

Labcorp Genetics (formerly Invitae), Labcorp
Classification: Uncertain significance. Last evaluated: 2025-10-02. Review status: criteria provided, single submitter. Criteria: Invitae Variant Classification Sherloc (09022015). Collection method: clinical testing. Allele origin: germline.
Comment: This sequence change creates a premature translational stop signal (p.Gln171*) in the CASQ1 gene. It is expected to result in an absent or disrupted protein product. However, the current clinical and genetic evidence is not sufficient to establish whether loss-of-function variants in CASQ1 cause disease. This variant is present in population databases (rs747556680, gnomAD 0.01%). This variant has not been reported in the literature in individuals affected with CASQ1-related conditions. ClinVar contains an entry for this variant (Variation ID: 1396111). In summary, the available evidence is currently insufficient to determine the role of this variant in disease. Therefore, it has been classified as a Variant of Uncertain Significance.